The following is an entry in ClinVar:

NM_001352514.2(HLCS):c.1985G>A (p.Ser662Asn)

Gene: HLCS (holocarboxylase synthetase; minus strand). Cytogenetic location: 21q22.13.
Variant type: single nucleotide variant.
Coding change: c.1985G>A on transcript NM_001352514.2 (MANE Select); coding-DNA position 1985, G replaced by A.
Protein change: p.Ser662Asn; replaces serine 662 with asparagine.
Molecular consequence: missense variant. On other transcripts: non-coding transcript variant (2).
Genome position (GRCh38, 1-based): chr21:36,765,148, C>T on the plus strand (G>A on the coding strand, the complement: HLCS is on the minus strand). VCF-style: chr21-36765148-C-T. GRCh37 (hg19) VCF-style: chr21-38137449-C-T.
Other names: c.1544G>A, p.Ser515Asn (NM_000411.8, NM_001242784.3, NM_001242785.2 and 4 more transcripts); c.1544G>A (NM_000411.7, NM_000411.6); short protein forms S515N, S662N.
Identifiers: ClinVar variation 428585 (VCV000428585.12), dbSNP rs773398782, ClinGen allele CA10020389.

ClinVar aggregate classification (germline): Conflicting classifications of pathogenicity. Review status: criteria provided, conflicting classifications (1 of 4 stars). 7 submissions from 7 submitters: Pathogenic (4); Likely pathogenic (2); Uncertain significance (1). Last evaluated 2026-04-14.

Conditions:
Inborn genetic diseases. Identifiers: MedGen C0950123, MeSH D030342.
Holocarboxylase synthetase deficiency. Also called: MULTIPLE CARBOXYLASE DEFICIENCY, EARLY ONSET. Identifiers: Orphanet 79242, MedGen C0268581, MONDO:0009666, OMIM 253270.

Allele frequency attached by ClinVar (database versions not stated): gnomAD exomes 0.00001 and below 0.00001; gnomAD 0.00002; TOPMed below 0.00001; ExAC 0.00001.
gnomAD v4.1: 13 of 1,614,108 alleles (0.00081%); highest among the groups gnomAD compares: East Asian, 0.0067%; no homozygotes.

Submissions (7):

Clinical Laboratory, Heze Municipal Hospital
Classification: Likely pathogenic for Holocarboxylase synthetase deficiency. Last evaluated: 2026-04-14. Review status: criteria provided, single submitter. Criteria: ACMG Guidelines, 2015. Collection method: clinical testing. Allele origin: germline. Inheritance: Autosomal recessive inheritance. Affected: yes.
Comment: The NM_000411.8(HLCS):c.1544G>A (p.Ser515Asn) is a missense variant in HLCS which localizes to the critical biotin-binding domain of the holocarboxylase synthetase protein. SIFT (Damaging), PolyPhen-2 (Probably damaging), LRT (Damaging), and ClinPred (Damaging) consistently predict a deleterious effect, and the serine-to-asparagine substitution is predicted to disrupt protein structure and function (PP3). This variant is absent from the ESP, 1000 Genomes, and ExAC databases, indicating extreme rarity in the general population, consistent with the rarity of holocarboxylase synthetase deficiency (PM2_Sup). In summary, this variant meets criteria to be classified as likely pathogenic for holocarboxylase synthetase deficiency based on the ACMG/AMP criteria:PM2_Sup, PM3, PP3, PP4.

Natera, Inc.
Classification: Pathogenic for Holocarboxylase synthetase deficiency. Last evaluated: 2025-06-09. Review status: criteria provided, single submitter. Criteria: Natera Variant Classification Schema (03/2026). Collection method: clinical testing. Allele origin: germline.
Comment: The c.1544G>A variant in HLCS is a missense variant predicted to cause substitution of serine to asparagine at amino acid 515. This variant is rare in the general population with a frequency below the threshold expected for the associated phenotype(s). This variant has been observed in one or more individuals affected with the associated recessive disease, as either homozygous or compound heterozygous with a second variant (PMID: 39194177, 38582244, 38380423). This variant has been identified in one or more affected individual with a phenotype highly consistent with the associated gene (PMID:39194177). Computational prediction algorithms indicate this variant is likely to affect gene or protein function. Given the available evidence, this variant is classified as Pathogenic.

Women's Health and Genetics/Laboratory Corporation of America, LabCorp
Classification: Pathogenic for Holocarboxylase synthetase deficiency. Last evaluated: 2025-04-16. Review status: criteria provided, single submitter. Criteria: LabCorp Variant Classification Summary - May 2015. Collection method: clinical testing. Allele origin: germline.
Comment: Variant summary: HLCS c.1544G>A (p.Ser515Asn) results in a conservative amino acid change in the encoded protein sequence. Four of five in-silico tools predict a damaging effect of the variant on protein function. The variant allele was found at a frequency of 4e-06 in 251456 control chromosomes. c.1544G>A has been observed in multiple individuals affected with Holocarboxylase Synthetase Deficiency (examples: Ling_2023, Kim_2024). These data indicate that the variant is very likely to be associated with disease. The following publications have been ascertained in the context of this evaluation (PMID: 39194177, 36890565). ClinVar contains an entry for this variant (Variation ID: 428585). Based on the evidence outlined above, the variant was classified as pathogenic.

Labcorp Genetics (formerly Invitae), Labcorp
Classification: Pathogenic for Holocarboxylase synthetase deficiency. Last evaluated: 2024-10-08. Review status: criteria provided, single submitter. Criteria: Invitae Variant Classification Sherloc (09022015). Collection method: clinical testing. Allele origin: germline.
Comment: This sequence change replaces serine, which is neutral and polar, with asparagine, which is neutral and polar, at codon 515 of the HLCS protein (p.Ser515Asn). This variant is present in population databases (rs773398782, gnomAD 0.01%). This missense change has been observed in individuals with holocarboxylase synthetase deficiency (PMID: 36890565). ClinVar contains an entry for this variant (Variation ID: 428585). Invitae Evidence Modeling of protein sequence and biophysical properties (such as structural, functional, and spatial information, amino acid conservation, physicochemical variation, residue mobility, and thermodynamic stability) indicates that this missense variant is expected to disrupt HLCS protein function with a positive predictive value of 95%. For these reasons, this variant has been classified as Pathogenic.

Baylor Genetics
Classification: Pathogenic for Holocarboxylase synthetase deficiency. Last evaluated: 2024-03-04. Review status: criteria provided, single submitter. Criteria: ACMG Guidelines, 2015. Collection method: clinical testing. Allele origin: unknown.

Ambry Genetics
Classification: Uncertain significance for Inborn genetic diseases. Last evaluated: 2022-05-30. Review status: criteria provided, single submitter. Criteria: Ambry Variant Classification Scheme 2023. Collection method: clinical testing. Allele origin: germline.

Shenzhen Institute of Pediatrics, Shenzhen Children's Hospital
Classification: Likely pathogenic for Holocarboxylase synthetase deficiency. Last evaluated: 2017-06-17. Review status: criteria provided, single submitter. Criteria: ACMG Guidelines, 2015. Collection method: clinical testing. Allele origin: unknown. Inheritance: Autosomal recessive inheritance. Affected: yes. Observed: 1 variant allele, 1 compound heterozygote.
Comment: [c.1522C>T (p.Arg508Trp)]+[ c.1544G>A(p.Ser515Asn)]

Literature cited by the submitters: PubMed 39194177 (cited by Natera, Inc. and Women's Health and Genetics/Laboratory Corporation of America, LabCorp); PubMed 38582244 (cited by Natera, Inc.); PubMed 38380423 (cited by Natera, Inc.); PubMed 36890565 (cited by Women's Health and Genetics/Laboratory Corporation of America, LabCorp and Labcorp Genetics (formerly Invitae), Labcorp).